The following is an entry in ClinVar:

NM_000540.3(RYR1):c.6086A>G (p.Gln2029Arg)

Gene: RYR1 (ryanodine receptor 1; plus strand). Cytogenetic location: 19q13.2.
Variant type: single nucleotide variant.
Coding change: c.6086A>G on transcript NM_000540.3 (MANE Select); coding-DNA position 6086, A replaced by G.
Protein change: p.Gln2029Arg; replaces glutamine 2029 with arginine.
Molecular consequence: missense variant.
Genome position (GRCh38, 1-based): chr19:38,490,691, A>G. VCF-style: chr19-38490691-A-G. GRCh37 (hg19) VCF-style: chr19-38981331-A-G.
Other names: c.6086A>G, p.Gln2029Arg (NM_001042723.2); short protein forms Q2029R.
Identifiers: ClinVar variation 1405860 (VCV001405860.6), dbSNP rs1484562818, ClinGen allele CA405660857.

ClinVar aggregate classification (germline): Uncertain significance (1 of 4 stars; one submission).

Conditions:
RYR1-related disorder. Also called: RYR1-related condition; RYR1-related disorders. Identifiers: MedGen CN239331.

Allele frequency attached by ClinVar (database versions not stated): gnomAD exomes below 0.00001 and 0.00001; TOPMed 0.00002; gnomAD 0.00004.
gnomAD v4.1: 11 of 1,613,922 alleles (0.00068%); highest among the groups gnomAD compares: Admixed American, 0.013%; no homozygotes.

Submission:

Labcorp Genetics (formerly Invitae), Labcorp
Classification: Uncertain significance for RYR1-related disorder. Last evaluated: 2022-07-19. Review status: criteria provided, single submitter. Criteria: Invitae Variant Classification Sherloc (09022015). Collection method: clinical testing. Allele origin: germline.
Comment: This sequence change replaces glutamine, which is neutral and polar, with arginine, which is basic and polar, at codon 2029 of the RYR1 protein (p.Gln2029Arg). In summary, the available evidence is currently insufficient to determine the role of this variant in disease. Therefore, it has been classified as a Variant of Uncertain Significance. Advanced modeling of protein sequence and biophysical properties (such as structural, functional, and spatial information, amino acid conservation, physicochemical variation, residue mobility, and thermodynamic stability) performed at Invitae indicates that this missense variant is not expected to disrupt RYR1 protein function. ClinVar contains an entry for this variant (Variation ID: 1405860). This variant has not been reported in the literature in individuals affected with RYR1-related conditions. This variant is present in population databases (no rsID available, gnomAD 0.009%).